The following is an entry in ClinVar:

ClinVar aggregate classification (germline): Likely benign. Review status: criteria provided, multiple submitters, no conflicts (2 of 4 stars). 2 submissions from 2 submitters: Likely benign (2). Last evaluated 2022-07-15.

Conditions:
Early-infantile DEE. Also called: Early infantile epileptic encephalopathy; Early infantile epileptic encephalopathy with suppression bursts; Ohtahara syndrome. Identifiers: Orphanet 1934, MedGen C0393706, MONDO:0800491.

Allele frequency attached by ClinVar (database versions not stated): TOPMed below 0.00001; gnomAD 0.00001; gnomAD exomes 0.00001.
gnomAD v4.1: 15 of 1,613,292 alleles (0.00093%); highest among the groups gnomAD compares: South Asian, 0.0011%; no homozygotes.

Submissions (2):

Labcorp Genetics (formerly Invitae), Labcorp
Classification: Likely benign for Early-infantile DEE. Last evaluated: 2022-07-15. Review status: criteria provided, single submitter. Criteria: Invitae Variant Classification Sherloc (09022015). Collection method: clinical testing. Allele origin: germline.

CeGaT Center for Human Genetics Tuebingen
Classification: Likely benign. Last evaluated: 2022-05-01. Review status: criteria provided, single submitter. Criteria: CeGaT Center For Human Genetics Tuebingen Variant Classification Criteria Version 2. Collection method: clinical testing. Allele origin: germline. Affected: yes. Observed: 1 variant allele.
Comment: GNAO1: BP4

NM_020988.3(GNAO1):c.939C>T (p.Arg313=)

Gene: GNAO1 (G protein subunit alpha o1; plus strand). Cytogenetic location: 16q13.
Variant type: single nucleotide variant.
Coding change: c.939C>T on transcript NM_020988.3 (MANE Select); coding-DNA position 939, C replaced by T.
Protein change: p.Arg313=; no amino-acid change (arginine 313 retained).
Molecular consequence: synonymous variant.
Genome position (GRCh38, 1-based): chr16:56,354,927, C>T. VCF-style: chr16-56354927-C-T. GRCh37 (hg19) VCF-style: chr16-56388839-C-T.
Identifiers: ClinVar variation 1694797 (VCV001694797.36), dbSNP rs2037954101, ClinGen allele CA495585933.
Genomic context (GRCh38, chr16:56,354,927, plus strand): 5'-CCCCAATACCTATGAAGACGCAGCCGCCTACATCCAAGCACAATTTGAAAGCAAAAACCG[C>T]TCACCCAACAAAGAAATATATTGTCACATGACTTGTGCCACAGACACGAATAACATCCAG-3'
Protein context (NP_066268.1, residues 303-323): YIQAQFESKN[Arg313=]SPNKEIYCHM